The following is an entry in ClinVar:

ClinVar aggregate classification (germline): Uncertain significance. Review status: criteria provided, multiple submitters, no conflicts (2 of 4 stars). 4 submissions from 4 submitters: Uncertain significance (4). Last evaluated 2025-12-03.

Conditions:
Arrhythmogenic right ventricular dysplasia 2. Identifiers: MedGen C1832931.
Catecholaminergic polymorphic ventricular tachycardia 1. Also called: VENTRICULAR TACHYCARDIA, CATECHOLAMINERGIC POLYMORPHIC, 1, WITH OR WITHOUT ATRIAL DYSFUNCTION AND/OR DILATED CARDIOMYOPATHY; RYR2-Related Catecholaminergic Polymorphic Ventricular Tachycardia; VENTRICULAR TACHYCARDIA, STRESS-INDUCED POLYMORPHIC 1. Identifiers: Orphanet 3286, MedGen C1631597, MONDO:0011484, OMIM 604772.
Ventricular arrhythmias due to cardiac ryanodine receptor calcium release deficiency syndrome. Also called: Autosomal dominant cardiac arrhythmia (Kuhn). Identifiers: MedGen C5542154, MONDO:0020745, OMIM 115000.
Cardiomyopathy (CMYO). Also called: Cardiomyopathies. Identifiers: Orphanet 167848, MedGen C0878544, MONDO:0004994, HP:0001638. Inheritance: Various modes of inheritance.

Allele frequency attached by ClinVar (database versions not stated): gnomAD exomes below 0.00001; TOPMed 0.00001.
gnomAD v4.1: 1 of 1,613,986 alleles (0.000062%); highest among the groups gnomAD compares: Non-Finnish European, 0.000085%; no homozygotes.

Submissions (4):

Labcorp Genetics (formerly Invitae), Labcorp
Classification: Uncertain significance for Catecholaminergic polymorphic ventricular tachycardia 1. Last evaluated: 2025-12-03. Review status: criteria provided, single submitter. Criteria: Invitae Variant Classification Sherloc (09022015). Collection method: clinical testing. Allele origin: germline.
Comment: This sequence change replaces isoleucine, which is neutral and non-polar, with threonine, which is neutral and polar, at codon 1842 of the RYR2 protein (p.Ile1842Thr). This variant is not present in population databases (gnomAD no frequency). This variant has not been reported in the literature in individuals affected with RYR2-related conditions. ClinVar contains an entry for this variant (Variation ID: 923717). Invitae Evidence Modeling of protein sequence and biophysical properties (such as structural, functional, and spatial information, amino acid conservation, physicochemical variation, residue mobility, and thermodynamic stability) indicates that this missense variant is not expected to disrupt RYR2 protein function with a negative predictive value of 95%. In summary, the available evidence is currently insufficient to determine the role of this variant in disease. Therefore, it has been classified as a Variant of Uncertain Significance.

GeneDx
Classification: Uncertain significance. Last evaluated: 2025-02-10. Review status: criteria provided, single submitter. Criteria: GeneDx Variant Classification Process June 2021. Collection method: clinical testing. Allele origin: germline. Affected: yes.
Comment: Not observed at significant frequency in large population cohorts (gnomAD); In silico analysis supports that this missense variant has a deleterious effect on protein structure/function; Not located in one of the three hot-spot regions of the RYR2 gene, where the majority of pathogenic missense variants occur (PMID: 19926015); Has not been previously published as pathogenic or benign to our knowledge; This variant is associated with the following publications: (PMID: 19926015)

Color Diagnostics, LLC DBA Color Health
Classification: Uncertain significance for Cardiomyopathy. Last evaluated: 2024-03-06. Review status: criteria provided, single submitter. Criteria: ACMG Guidelines, 2015. Collection method: clinical testing. Allele origin: germline.
Comment: This missense variant replaces isoleucine with threonine at codon 1842 of the RYR2 protein. Computational prediction suggests that this variant may have deleterious impact on protein structure and function (internally defined REVEL score threshold >= 0.7, PMID: 27666373). Splice site prediction tools suggest that this variant may not impact RNA splicing. To our knowledge, functional studies have not been performed for this variant. This variant has not been reported in individuals affected with cardiovascular disorders in the literature. This variant has not been identified in the general population by the Genome Aggregation Database (gnomAD). The available evidence is insufficient to determine the role of this variant in disease conclusively. Therefore, this variant is classified as a Variant of Uncertain Significance.

Fulgent Genetics
Classification: Uncertain significance for Ventricular arrhythmias due to cardiac ryanodine receptor calcium release deficiency syndrome; Catecholaminergic polymorphic ventricular tachycardia 1. Last evaluated: 2021-11-02. Review status: criteria provided, single submitter. Criteria: ACMG Guidelines, 2015. Collection method: clinical testing. Allele origin: unknown.

NM_001035.3(RYR2):c.5525T>C (p.Ile1842Thr)

Gene: RYR2 (ryanodine receptor 2; plus strand). Cytogenetic location: 1q43.
Variant type: single nucleotide variant.
Coding change: c.5525T>C on transcript NM_001035.3 (MANE Select); coding-DNA position 5525, T replaced by C.
Protein change: p.Ile1842Thr; replaces isoleucine 1842 with threonine.
Molecular consequence: missense variant.
Genome position (GRCh38, 1-based): chr1:237,614,653, T>C. VCF-style: chr1-237614653-T-C. GRCh37 (hg19) VCF-style: chr1-237777953-T-C.
Other names: c.5525T>C (NM_001035.2); short protein forms I1842T.
Identifiers: ClinVar variation 923717 (VCV000923717.12), dbSNP rs1168483242, ClinGen allele CA345405217.